The following is an entry in ClinVar:

ClinVar aggregate classification (germline): Uncertain significance. Review status: criteria provided, multiple submitters, no conflicts (2 of 4 stars). 2 submissions from 2 submitters: Uncertain significance (2). Last evaluated 2024-12-04.

Allele frequency attached by ClinVar (database versions not stated): ExAC 0.00001; gnomAD 0.00001; TOPMed 0.00004.
gnomAD v4.1: 8 of 1,614,058 alleles (0.0005%); highest among the groups gnomAD compares: Admixed American, 0.0067%; 1 homozygote.

Submissions (2):

Ambry Genetics
Classification: Uncertain significance. Last evaluated: 2024-12-04. Review status: criteria provided, single submitter. Criteria: Ambry Variant Classification Scheme 2023. Collection method: clinical testing. Allele origin: germline.

Labcorp Genetics (formerly Invitae), Labcorp
Classification: Uncertain significance. Last evaluated: 2022-09-15. Review status: criteria provided, single submitter. Criteria: Invitae Variant Classification Sherloc (09022015). Collection method: clinical testing. Allele origin: germline.
Comment: This sequence change replaces serine, which is neutral and polar, with phenylalanine, which is neutral and non-polar, at codon 149 of the FAT2 protein (p.Ser149Phe). This variant is not present in population databases (gnomAD no frequency). This variant has not been reported in the literature in individuals affected with FAT2-related conditions. Algorithms developed to predict the effect of missense changes on protein structure and function (SIFT, PolyPhen-2, Align-GVGD) all suggest that this variant is likely to be disruptive. In summary, the available evidence is currently insufficient to determine the role of this variant in disease. Therefore, it has been classified as a Variant of Uncertain Significance.

NM_001447.3(FAT2):c.446C>T (p.Ser149Phe)

Gene: FAT2 (FAT atypical cadherin 2; minus strand). Cytogenetic location: 5q33.1.
Variant type: single nucleotide variant.
Coding change: c.446C>T on transcript NM_001447.3 (MANE Select); coding-DNA position 446, C replaced by T.
Protein change: p.Ser149Phe; replaces serine 149 with phenylalanine.
Molecular consequence: missense variant.
Genome position (GRCh38, 1-based): chr5:151,568,486, G>A on the plus strand (C>T on the coding strand, the complement: FAT2 is on the minus strand). VCF-style: chr5-151568486-G-A. GRCh37 (hg19) VCF-style: chr5-150948047-G-A.
Other names: c.446C>T (NM_001447.2); short protein forms S149F.
Identifiers: ClinVar variation 1916773 (VCV001916773.6), dbSNP rs778216073, ClinGen allele CA3522439.
Genomic context (GRCh38, chr5:151,568,486, plus strand): 5'-TTGCAGATGGGGCTCTTCAGGGGCATGTCCTCAGAGATGGTGACTCTGTACGAAGGTGGA[G>A]AGAAGAGAGGCTTCAGGTCATTCTGGTCCAGGATGTGGACCACCACACGGGTCAAAGCTT-3'
Protein context (NP_001438.1, residues 139-159): LDQNDLKPLF[Ser149Phe]PPSYRVTISE